The following continues an entry in ClinVar:

NM_000059.4(BRCA2):c.3516G>A (p.Ser1172=)

Gene: BRCA2. ClinVar aggregate classification (germline): Benign. Benign (1).

Submissions 21 to 36 of 36:

Clinical Genetics DNA and cytogenetics Diagnostics Lab, Erasmus MC, Erasmus Medical Center
Classification: Benign for Breast-ovarian cancer, familial, susceptibility to, 2. Last evaluated: 2015-09-21. Review status: criteria provided, single submitter. Criteria: ACGS Guidelines, 2013. Collection method: clinical testing. Allele origin: germline. Affected: yes. Study: VKGL Data-share Consensus. Not counted in ClinVar's aggregate classification.

Color Diagnostics, LLC DBA Color Health
Classification: Benign for Hereditary cancer-predisposing syndrome. Last evaluated: 2015-04-07. Review status: criteria provided, single submitter. Criteria: ACMG Guidelines, 2015. Collection method: clinical testing. Allele origin: germline. Not counted in ClinVar's aggregate classification.

Eurofins Ntd Llc (ga)
Classification: Benign. Last evaluated: 2014-12-02. Review status: criteria provided, single submitter. Criteria: EGL Classification Definitions 2015. Collection method: clinical testing. Allele origin: germline. Observed: 3 variant alleles, 3 heterozygotes. Not counted in ClinVar's aggregate classification.

Genome Diagnostics Laboratory, University Medical Center Utrecht
Classification: Likely benign for Breast-ovarian cancer, familial, susceptibility to, 2. Last evaluated: 2014-10-10. Review status: criteria provided, single submitter. Criteria: ACGS Guidelines, 2013. Collection method: clinical testing. Allele origin: germline. Affected: yes. Study: VKGL Data-share Consensus. Not counted in ClinVar's aggregate classification.

Ambry Genetics
Classification: Likely benign for Hereditary cancer-predisposing syndrome. Last evaluated: 2014-06-13. Review status: criteria provided, single submitter. Criteria: Ambry Variant Classification Scheme 2023. Collection method: clinical testing. Allele origin: germline. Not counted in ClinVar's aggregate classification.

Women's Health and Genetics/Laboratory Corporation of America, LabCorp
Classification: Benign for Hereditary breast ovarian cancer syndrome. Last evaluated: 2014-04-22. Review status: criteria provided, single submitter. Criteria: LabCorp Variant Classification Summary - May 2015. Collection method: clinical testing. Allele origin: germline. Not counted in ClinVar's aggregate classification.

Breakthrough Genomics
Classification: Benign. Review status: criteria provided, single submitter. Criteria: ACMG Guidelines, 2015. Collection method: not provided. Allele origin: germline. Inheritance: Autosomal recessive inheritance. Affected: yes. Not counted in ClinVar's aggregate classification.

True Health Diagnostics
Classification: Likely benign for Hereditary cancer-predisposing syndrome. Last evaluated: 2017-12-01. Review status: no assertion criteria provided. Collection method: clinical testing. Allele origin: germline. Not counted in ClinVar's aggregate classification.

Mayo Clinic Laboratories, Mayo Clinic
Classification: Likely benign. Last evaluated: 2017-07-21. Review status: no assertion criteria provided. Collection method: clinical testing. Allele origin: unknown. Not counted in ClinVar's aggregate classification.

Counsyl
Classification: Likely benign for Breast-ovarian cancer, familial 2. Last evaluated: 2014-01-02. Review status: no assertion criteria provided. Collection method: literature only. Allele origin: unknown. Inheritance: Autosomal dominant inheritance. Not counted in ClinVar's aggregate classification.

Breast Cancer Information Core (BIC) (BRCA2)
No classification provided. Condition: Breast-ovarian cancer, familial 2. Review status: no classification provided. Collection method: clinical testing. Allele origin: germline. Affected: yes. Observed: 8 variant alleles. Not counted in ClinVar's aggregate classification.

Clinical Genetics Laboratory, Department of Pathology, Netherlands Cancer Institute
Classification: Benign. Review status: no assertion criteria provided. Collection method: clinical testing. Allele origin: germline. Affected: yes. Study: VKGL Data-share Consensus. Not counted in ClinVar's aggregate classification.

Department of Pathology and Laboratory Medicine, Sinai Health System
Classification: Benign. Review status: no assertion criteria provided. Collection method: clinical testing. Allele origin: unknown. Affected: yes. Study: The Canadian Open Genetics Repository (COGR). Not counted in ClinVar's aggregate classification.
Comment: The p.Ser1172Ser variant is not expected to have clinical significance because it does not alter an amino acid residue, is not located near a splice junction, and is listed in dbSNP (rs1799952) with a heterozygosity of 0.007+/-0.058. This variant has been observed at least 10x in the presence of a second pathogenic variant in the UMD database, suggesting it does not have clinical significance. In addition, Myriad classifies this variant as a polymorphism.

Diagnostic Laboratory, Department of Genetics, University Medical Center Groningen
Classification: Benign for Breast-ovarian cancer, familial, susceptibility to, 2. Review status: no assertion criteria provided. Collection method: clinical testing. Allele origin: germline. Affected: yes. Study: VKGL Data-share Consensus. Not counted in ClinVar's aggregate classification.

Joint Genome Diagnostic Labs from Nijmegen and Maastricht, Radboudumc and MUMC+
Classification: Benign. Review status: no assertion criteria provided. Collection method: clinical testing. Allele origin: germline. Affected: yes. Study: VKGL Data-share Consensus. Not counted in ClinVar's aggregate classification.

Laboratory of Diagnostic Genome Analysis, Leiden University Medical Center (LUMC)
Classification: Likely benign. Review status: no assertion criteria provided. Collection method: clinical testing. Allele origin: germline. Affected: yes. Study: VKGL Data-share Consensus. Not counted in ClinVar's aggregate classification.

Literature cited by the submitters: PubMed 22425665 (cited by 3 submitters); PubMed 20104584 (cited by 3 submitters); PubMed 19229607 (cited by Quest Diagnostics Nichols Institute San Juan Capistrano and Counsyl); PubMed 17453335 (cited by 3 submitters); PubMed 15918047 (cited by 3 submitters); PubMed 10728701 (cited by Quest Diagnostics Nichols Institute San Juan Capistrano and Women's Health and Genetics/Laboratory Corporation of America, LabCorp).